The following is an entry in ClinVar:

ClinVar aggregate classification (germline): Uncertain significance (1 of 4 stars; one submission).

Allele frequency attached by ClinVar (database versions not stated): TOPMed below 0.00001.

Submission:

Labcorp Genetics (formerly Invitae), Labcorp
Classification: Uncertain significance. Last evaluated: 2023-01-31. Review status: criteria provided, single submitter. Criteria: Invitae Variant Classification Sherloc (09022015). Collection method: clinical testing. Allele origin: germline.
Comment: This sequence change replaces alanine, which is neutral and non-polar, with valine, which is neutral and non-polar, at codon 234 of the GRIN2D protein (p.Ala234Val). This variant is not present in population databases (gnomAD no frequency). This variant has not been reported in the literature in individuals affected with GRIN2D-related conditions. Advanced modeling of protein sequence and biophysical properties (such as structural, functional, and spatial information, amino acid conservation, physicochemical variation, residue mobility, and thermodynamic stability) performed at Invitae indicates that this missense variant is not expected to disrupt GRIN2D protein function. In summary, the available evidence is currently insufficient to determine the role of this variant in disease. Therefore, it has been classified as a Variant of Uncertain Significance.

NM_000836.4(GRIN2D):c.701C>T (p.Ala234Val)

Gene: GRIN2D (glutamate ionotropic receptor NMDA type subunit 2D; plus strand). Cytogenetic location: 19q13.33.
Variant type: single nucleotide variant.
Coding change: c.701C>T on transcript NM_000836.4 (MANE Select); coding-DNA position 701, C replaced by T.
Protein change: p.Ala234Val; replaces alanine 234 with valine.
Molecular consequence: missense variant.
Genome position (GRCh38, 1-based): chr19:48,404,969, C>T. VCF-style: chr19-48404969-C-T. GRCh37 (hg19) VCF-style: chr19-48908226-C-T.
Other names: short protein forms A234V.
Identifiers: ClinVar variation 2784303 (VCV002784303.3), dbSNP rs1449261150, ClinGen allele CA406691853.
Genomic context (GRCh38, chr19:48,404,969, plus strand): 5'-GCTGGGAGCACCGCGGAGCGCTGACGCTGGACCCTGGGGCGGGCGAGGCCGTGCTCAGTG[C>T]CCAGCTCCGCAGTGTCAGCGCGCAGATCCGCCTGCTCTTCTGCGCCCGAGAGGAGGCCGA-3'
Protein context (NP_000827.2, residues 224-244): DPGAGEAVLS[Ala234Val]QLRSVSAQIR